The following is an entry in ClinVar:

NM_001349253.2(SCN11A):c.2404-20G>T

Gene: SCN11A (sodium voltage-gated channel alpha subunit 11; minus strand). Cytogenetic location: 3p22.2.
Variant type: single nucleotide variant.
Coding change: c.2404-20G>T on transcript NM_001349253.2 (MANE Select); 20 bases into the intron before coding-DNA position 2404, G replaced by T.
Molecular consequence: intron variant.
Genome position (GRCh38, 1-based): chr3:38,894,984, C>A on the plus strand (G>T on the coding strand, the complement: SCN11A is on the minus strand). VCF-style: chr3-38894984-C-A. GRCh37 (hg19) VCF-style: chr3-38936475-C-A.
Other names: c.2404-20G>T (NM_014139.3).
Identifiers: ClinVar variation 2944278 (VCV002944278.3), dbSNP rs752619036, ClinGen allele CA2577554836.

ClinVar aggregate classification (germline): Uncertain significance (1 of 4 stars; one submission).

Conditions:
Familial episodic pain syndrome with predominantly lower limb involvement. Also called: Episodic pain syndrome, familial, 3. Identifiers: Orphanet 391384, Orphanet 391392, MedGen C3809899, MONDO:0014247, OMIM 615552.
Hereditary sensory and autonomic neuropathy type 7. Also called: Neuropathy, hereditary sensory and autonomic, type VII; HSAN VII. Identifiers: Orphanet 391397, MedGen C3809882, MONDO:0014244, OMIM 615548.

Submission:

Labcorp Genetics (formerly Invitae), Labcorp
Classification: Uncertain significance for Familial episodic pain syndrome with predominantly lower limb involvement; Hereditary sensory and autonomic neuropathy type 7. Last evaluated: 2023-04-06. Review status: criteria provided, single submitter. Criteria: Invitae Variant Classification Sherloc (09022015). Collection method: clinical testing. Allele origin: germline.
Comment: In summary, the available evidence is currently insufficient to determine the role of this variant in disease. Therefore, it has been classified as a Variant of Uncertain Significance. Algorithms developed to predict the effect of sequence changes on RNA splicing suggest that this variant may create or strengthen a splice site. This variant has not been reported in the literature in individuals affected with SCN11A-related conditions. This variant is not present in population databases (gnomAD no frequency). This sequence change falls in intron 14 of the SCN11A gene. It does not directly change the encoded amino acid sequence of the SCN11A protein.